The following is an entry in ClinVar:

NM_001348768.2(HECW2):c.2163G>T (p.Gly721=)

Gene: HECW2 (HECT, C2 and WW domain containing E3 ubiquitin protein ligase 2; minus strand). Cytogenetic location: 2q32.3.
Variant type: single nucleotide variant.
Coding change: c.2163G>T on transcript NM_001348768.2 (MANE Select); coding-DNA position 2163, G replaced by T.
Protein change: p.Gly721=; no amino-acid change (glycine 721 retained).
Molecular consequence: synonymous variant.
Genome position (GRCh38, 1-based): chr2:196,318,727, C>A on the plus strand (G>T on the coding strand, the complement: HECW2 is on the minus strand). VCF-style: chr2-196318727-C-A. GRCh37 (hg19) VCF-style: chr2-197183451-C-A.
Other names: c.1095G>T, p.Gly365= (NM_001304840.3); c.2163G>T, p.Gly721= (NM_020760.4).
Identifiers: ClinVar variation 3029501 (VCV003029501.2), dbSNP rs370615474, ClinGen allele CA62783606.
Genomic context (GRCh38, chr2:196,318,727, plus strand): 5'-CCCCCTCCGCTGCCAGACCTCCCCCAGCTCCTCCTGGTCAGGTACAGTGGCCGATTCTGC[C>A]CCTGGCCCTTCATCCTCCCCACTGGGCACCTGTACCACAGGTAAAGAACCAGCAGTGCAC-3'
Protein context (NP_001335697.1, residues 711-731): QVPSGEDEGP[Gly721=]AESATVPDQE

ClinVar aggregate classification (germline): Likely benign (0 of 4 stars; one submission).

Conditions:
HECW2-related disorder. Also called: HECW2-related condition.

Allele frequency attached by ClinVar (database versions not stated): gnomAD 0.00001; TOPMed 0.00002; ESP Exome Variant Server 0.00008.
gnomAD v4.1: 3 of 1,547,848 alleles (0.00019%); highest among the groups gnomAD compares: African/African-American, 0.0028%; no homozygotes.

Submission:

PreventionGenetics, part of Exact Sciences
Classification: Likely benign for HECW2-related condition. Last evaluated: 2023-12-12. Review status: no assertion criteria provided. Collection method: clinical testing. Allele origin: germline.
Comment: This variant is classified as likely benign based on ACMG/AMP sequence variant interpretation guidelines (Richards et al. 2015 PMID: 25741868, with internal and published modifications).